The following is an entry in ClinVar:

ClinVar aggregate classification (germline): Likely pathogenic (1 of 4 stars; one submission).

Conditions:
CHARGE syndrome (CHARGE). Also called: Hittner Hirsch Kreh syndrome; CHARGE ASSOCIATION--COLOBOMA, HEART ANOMALY, CHOANAL ATRESIA, RETARDATION, GENITAL AND EAR ANOMALIES; Coloboma, heart anomaly, choanal atresia, retardation, genital and ear anomalies; CHARGE association; Hall-Hittner syndrome. Identifiers: Orphanet 138, MedGen C0265354, MONDO:0008965.

Submission:

Institute of Rare Diseases, West China Hospital, Sichuan University
Classification: Likely pathogenic for CHD7-related CHARGE syndrome. Last evaluated: 2025-01-09. Review status: criteria provided, single submitter. Criteria: ClinGen HL ACMG Specifications v1. Collection method: research. Allele origin: germline. Affected: yes.
Comment: PVS1;PM2_Supporting

NM_017780.4(CHD7):c.186_190dup (p.Thr64fs)

Gene: CHD7 (chromodomain helicase DNA binding protein 7; plus strand). Cytogenetic location: 8q12.2.
Variant type: Duplication.
Coding change: c.186_190dup on transcript NM_017780.4 (MANE Select); coding-DNA positions 186 to 190, 5 bases duplicated (TCAAA; older notation c.186_190dupTCAAA).
Protein change: p.Thr64fs; shifts the reading frame from threonine 64.
Molecular consequence: frameshift variant.
Genome position (GRCh38, 1-based): chr8:60,741,618-60,741,622, TCAAA duplicated; duplicating any 5 consecutive bases within chr8:60,741,615-60,741,622 gives the same sequence; the c. name uses the placement nearest the transcript's 3' end. VCF-style (leftmost placement, unchanged base first): chr8-60741614-A-AAAATC. GRCh37 (hg19) VCF-style: chr8-61654173-A-AAAATC.
Other names: c.186_190dup, p.Thr64fs (NM_001316690.1); short protein forms T64fs.
Identifiers: ClinVar variation 3601818 (VCV003601818.1).